The following is an entry in ClinVar:

NM_004656.4(BAP1):c.956C>G (p.Ser319Ter)

Gene: BAP1 (BRCA1 associated deubiquitinase 1; minus strand). Cytogenetic location: 3p21.1.
Variant type: single nucleotide variant.
Coding change: c.956C>G on transcript NM_004656.4 (MANE Select); coding-DNA position 956, C replaced by G.
Protein change: p.Ser319Ter; replaces serine 319 with a stop codon.
Molecular consequence: nonsense.
Genome position (GRCh38, 1-based): chr3:52,405,270, G>C on the plus strand (C>G on the coding strand, the complement: BAP1 is on the minus strand). VCF-style: chr3-52405270-G-C. GRCh37 (hg19) VCF-style: chr3-52439286-G-C.
Other names: short protein forms S319*.
Identifiers: ClinVar variation 490911 (VCV000490911.8), dbSNP rs1553645329, ClinGen allele CA353106260.

ClinVar aggregate classification (germline): Pathogenic. Review status: criteria provided, multiple submitters, no conflicts (2 of 4 stars). 2 submissions from 2 submitters: Pathogenic (2). Last evaluated 2021-12-14.

Conditions:
Hereditary cancer-predisposing syndrome. Also called: Hereditary Cancer Syndrome; Neoplastic Syndromes, Hereditary; Tumor predisposition; Hereditary neoplastic syndrome. Identifiers: Orphanet 140162, MedGen C0027672, MeSH D009386, MONDO:0015356.

Submissions (2):

Color Diagnostics, LLC DBA Color Health
Classification: Pathogenic for Hereditary cancer-predisposing syndrome. Last evaluated: 2021-12-14. Review status: criteria provided, single submitter. Criteria: ACMG Guidelines, 2015. Collection method: clinical testing. Allele origin: germline.
Comment: This variant changes 1 nucleotide in exon 11 of the BAP1 gene, creating a premature translation stop signal. This variant is expected to result in an absent or non-functional protein product. This variant has not been identified in the general population by the Genome Aggregation Database (gnomAD). Loss of BAP1 function is a known mechanism of disease. Based on the available evidence, this variant is classified as Pathogenic.

Ambry Genetics
Classification: Pathogenic for Hereditary cancer-predisposing syndrome. Last evaluated: 2021-04-29. Review status: criteria provided, single submitter. Criteria: Ambry Variant Classification Scheme 2023. Collection method: clinical testing. Allele origin: germline.
Comment: The p.S319* pathogenic mutation (also known as c.956C>G), located in coding exon 11 of the BAP1 gene, results from a C to G substitution at nucleotide position 956. This changes the amino acid from a serine to a stop codon within coding exon 11. This variant is considered to be rare based on population cohorts in the Genome Aggregation Database (gnomAD). This alteration is expected to result in loss of function by premature protein truncation or nonsense-mediated mRNA decay. As such, this alteration is interpreted as a disease-causing mutation. This nucleotide position is highly conserved in available vertebrate species.